The following is an entry in ClinVar:

NM_002184.4(IL6ST):c.2183T>C (p.Ile728Thr)

Gene: IL6ST (interleukin 6 cytokine family signal transducer; minus strand). Cytogenetic location: 5q11.2.
Variant type: single nucleotide variant.
Coding change: c.2183T>C on transcript NM_002184.4 (MANE Select); coding-DNA position 2183, T replaced by C.
Protein change: p.Ile728Thr; replaces isoleucine 728 with threonine.
Molecular consequence: missense variant. On other transcripts: 3 prime UTR variant (1), non-coding transcript variant (2).
Genome position (GRCh38, 1-based): chr5:55,941,656, A>G on the plus strand (T>C on the coding strand, the complement: IL6ST is on the minus strand). VCF-style: chr5-55941656-A-G. GRCh37 (hg19) VCF-style: chr5-55237484-A-G.
Other names: c.2000T>C, p.Ile667Thr (NM_001190981.2); c.2081T>C, p.Ile694Thr (NM_001364275.2); c.1973T>C, p.Ile658Thr (NM_001364276.2); c.1316T>C, p.Ile439Thr (NM_001364277.2); c.1280T>C, p.Ile427Thr (NM_001364278.2); c.1187T>C, p.Ile396Thr (NM_001364279.2); c.*1110T>C (NM_175767.3); short protein forms I658T, I427T, I667T, I694T, I728T, I396T, I439T.
Identifiers: ClinVar variation 1979726 (VCV001979726.4), dbSNP rs1750927761, ClinGen allele CA359779308.

ClinVar aggregate classification (germline): Uncertain significance (1 of 4 stars; one submission).

Allele frequency attached by ClinVar (database versions not stated): TOPMed below 0.00001.

Submission:

Labcorp Genetics (formerly Invitae), Labcorp
Classification: Uncertain significance. Last evaluated: 2022-08-24. Review status: criteria provided, single submitter. Criteria: Invitae Variant Classification Sherloc (09022015). Collection method: clinical testing. Allele origin: germline.
Comment: In summary, the available evidence is currently insufficient to determine the role of this variant in disease. Therefore, it has been classified as a Variant of Uncertain Significance. This sequence change replaces isoleucine, which is neutral and non-polar, with threonine, which is neutral and polar, at codon 728 of the IL6ST protein (p.Ile728Thr). This variant is not present in population databases (gnomAD no frequency). This variant has not been reported in the literature in individuals affected with IL6ST-related conditions. Algorithms developed to predict the effect of missense changes on protein structure and function are either unavailable or do not agree on the potential impact of this missense change (SIFT: "Tolerated"; PolyPhen-2: "Probably Damaging"; Align-GVGD: "Class C0").